The following is an entry in ClinVar:

ClinVar aggregate classification (germline): Uncertain significance (1 of 4 stars; one submission).

Conditions:
Parathyroid carcinoma (PRTC). Also called: Parathyroid gland carcinoma; CDC73-Related Parathyroid Carcinoma. Identifiers: Orphanet 143, MedGen C0687150, MONDO:0012004, OMIM 608266, HP:0006780.

Submission:

Labcorp Genetics (formerly Invitae), Labcorp
Classification: Uncertain significance for Parathyroid carcinoma. Last evaluated: 2025-10-06. Review status: criteria provided, single submitter. Criteria: Invitae Variant Classification Sherloc (09022015). Collection method: clinical testing. Allele origin: germline.
Comment: This sequence change falls in intron 12 of the CDC73 gene. It does not directly change the encoded amino acid sequence of the CDC73 protein. It affects a nucleotide within the consensus splice site. This variant is not present in population databases (gnomAD no frequency). This variant has not been reported in the literature in individuals affected with CDC73-related conditions. Variants that disrupt the consensus splice site are a relatively common cause of aberrant splicing (PMID: 17576681, 9536098). Algorithms developed to predict the effect of sequence changes on RNA splicing suggest that this variant is not likely to affect RNA splicing. In summary, the available evidence is currently insufficient to determine the role of this variant in disease. Therefore, it has been classified as a Variant of Uncertain Significance.

Literature cited by the submitters: PubMed 17576681; PubMed 9536098.

NM_024529.5(CDC73):c.1067-3T>C

Gene: CDC73 (cell division cycle 73; plus strand). Cytogenetic location: 1q31.2.
Variant type: single nucleotide variant.
Coding change: c.1067-3T>C on transcript NM_024529.5 (MANE Select); 3 bases into the intron before coding-DNA position 1067, T replaced by C.
Molecular consequence: intron variant.
Genome position (GRCh38, 1-based): chr1:193,212,387, T>C. VCF-style: chr1-193212387-T-C. GRCh37 (hg19) VCF-style: chr1-193181517-T-C.
Identifiers: ClinVar variation 4803612 (VCV004803612.1).